The following is an entry in ClinVar:

ClinVar aggregate classification (germline): Uncertain significance. Review status: criteria provided, multiple submitters, no conflicts (2 of 4 stars). 4 submissions from 4 submitters: Uncertain significance (4). Last evaluated 2024-11-11.

Conditions:
Inborn genetic diseases. Identifiers: MedGen C0950123, MeSH D030342.

Allele frequency attached by ClinVar (database versions not stated): gnomAD exomes below 0.00001 and 0.00001; TOPMed below 0.00001; ExAC 0.00001.
gnomAD v4.1: 12 of 1,610,258 alleles (0.00075%); highest among the groups gnomAD compares: Non-Finnish European, 0.001%; no homozygotes.

Submissions (4):

Ambry Genetics
Classification: Uncertain significance for Inborn genetic diseases. Last evaluated: 2024-11-11. Review status: criteria provided, single submitter. Criteria: Ambry Variant Classification Scheme 2023. Collection method: clinical testing. Allele origin: germline.

Labcorp Genetics (formerly Invitae), Labcorp
Classification: Uncertain significance. Last evaluated: 2024-07-18. Review status: criteria provided, single submitter. Criteria: Invitae Variant Classification Sherloc (09022015). Collection method: clinical testing. Allele origin: germline.
Comment: This sequence change replaces aspartic acid, which is acidic and polar, with glycine, which is neutral and non-polar, at codon 1928 of the ITPR1 protein (p.Asp1928Gly). This variant is present in population databases (rs781495978, gnomAD 0.002%). This variant has not been reported in the literature in individuals affected with ITPR1-related conditions. ClinVar contains an entry for this variant (Variation ID: 1485459). Advanced modeling of protein sequence and biophysical properties (such as structural, functional, and spatial information, amino acid conservation, physicochemical variation, residue mobility, and thermodynamic stability) has been performed at Invitae for this missense variant, however the output from this modeling did not meet the statistical confidence thresholds required to predict the impact of this variant on ITPR1 protein function. In summary, the available evidence is currently insufficient to determine the role of this variant in disease. Therefore, it has been classified as a Variant of Uncertain Significance.

GeneDx
Classification: Uncertain significance. Last evaluated: 2024-05-16. Review status: criteria provided, single submitter. Criteria: GeneDx Variant Classification Process June 2021. Collection method: clinical testing. Allele origin: germline. Affected: yes.
Comment: In silico analysis supports that this missense variant has a deleterious effect on protein structure/function; Has not been previously published as pathogenic or benign to our knowledge

Blueprint Genetics
Classification: Uncertain significance. Last evaluated: 2020-01-09. Review status: criteria provided, single submitter. Criteria: ACMG Guidelines, 2015. Collection method: clinical testing. Allele origin: germline.

NM_001378452.1(ITPR1):c.5972A>G (p.Asp1991Gly)

Gene: ITPR1 (inositol 1,4,5-trisphosphate receptor type 1; plus strand). Cytogenetic location: 3p26.1.
Variant type: single nucleotide variant.
Coding change: c.5972A>G on transcript NM_001378452.1 (MANE Select); coding-DNA position 5972, A replaced by G.
Protein change: p.Asp1991Gly; replaces aspartic acid 1991 with glycine.
Molecular consequence: missense variant.
Genome position (GRCh38, 1-based): chr3:4,768,757, A>G. VCF-style: chr3-4768757-A-G. GRCh37 (hg19) VCF-style: chr3-4810441-A-G.
Other names: c.5828A>G, p.Asp1943Gly (NM_001099952.4); c.5927A>G, p.Asp1976Gly (NM_001168272.2); c.5783A>G, p.Asp1928Gly (NM_002222.7); short protein forms D1928G, D1976G, D1943G, D1991G.
Identifiers: ClinVar variation 1485459 (VCV001485459.12), dbSNP rs781495978, ClinGen allele CA2232469.
Genomic context (GRCh38, chr3:4,768,757, plus strand): 5'-TCACCATCATGCAGCCCATCCTCCGCTTCCTTCAGCTCCTGTGTGAAAACCACAACCGAG[A>G]CCTGCAGGTGAGGGCCTGGGGGTGGGGGCGTGGAGGGAGCTCGGGAAAGGCTGCCAAGGC-3'
Protein context (NP_001365381.1, residues 1981-2001): LQLLCENHNR[Asp1991Gly]LQNFLRCQNN